The following is an entry in ClinVar:

NC_000009.12:g.35657822T>C

Gene: RMRP (RNA component of mitochondrial RNA processing endoribonuclease; minus strand). Cytogenetic location: 9p13.3.
Variant type: single nucleotide variant.
Genome position: GRCh38 VCF-style: chr9-35657822-T-C. GRCh37 (hg19) VCF-style: chr9-35657819-T-C.
Identifiers: ClinVar variation 1437607 (VCV001437607.5), dbSNP rs773432147, ClinGen allele CA192745571.

ClinVar aggregate classification (germline): Uncertain significance (1 of 4 stars; one submission).

Conditions:
Anauxetic dysplasia. Identifiers: Orphanet 93347, MedGen C1846796, MONDO:0011773.

gnomAD v4.1: 18 of 692,774 alleles (0.0026%); highest among the groups gnomAD compares: Non-Finnish European, 0.0036%; no homozygotes.

Submission:

Labcorp Genetics (formerly Invitae), Labcorp
Classification: Uncertain significance for Anauxetic dysplasia. Last evaluated: 2025-10-23. Review status: criteria provided, single submitter. Criteria: Invitae Variant Classification Sherloc (09022015). Collection method: clinical testing. Allele origin: germline.
Comment: This variant occurs in the RMRP gene, which encodes an RNA molecule that does not result in a protein product. This variant is present in population databases (rs773432147, gnomAD 0.007%). This variant has not been reported in the literature in individuals affected with RMRP-related conditions. ClinVar contains an entry for this variant (Variation ID: 1437607). Experimental studies and prediction algorithms are not available or were not evaluated, and the functional significance of this variant is currently unknown. In summary, the available evidence is currently insufficient to determine the role of this variant in disease. Therefore, it has been classified as a Variant of Uncertain Significance.